The following is an entry in ClinVar:

NM_001110556.2(FLNA):c.1940T>G (p.Val647Gly)

Gene: FLNA (filamin A; minus strand). Cytogenetic location: Xq28.
Variant type: single nucleotide variant.
Coding change: c.1940T>G on transcript NM_001110556.2 (MANE Select); coding-DNA position 1940, T replaced by G.
Protein change: p.Val647Gly; replaces valine 647 with glycine.
Molecular consequence: missense variant.
Genome position (GRCh38, 1-based): chrX:154,364,608, A>C on the plus strand (T>G on the coding strand, the complement: FLNA is on the minus strand). VCF-style: chrX-154364608-A-C. GRCh37 (hg19) VCF-style: chrX-153592976-A-C.
Other names: c.1940T>G, p.Val647Gly (NM_001456.4); short protein forms V647G.
Identifiers: ClinVar variation 2952774 (VCV002952774.3), dbSNP rs2522754725, ClinGen allele CA415241524.

ClinVar aggregate classification (germline): Uncertain significance (1 of 4 stars; one submission).

Conditions:
Heterotopia, periventricular, X-linked dominant (PVNH1). Also called: PERIVENTRICULAR NODULAR HETEROTOPIA 1; X-linked periventricular heterotopia; PERIVENTRICULAR NODULAR HETEROTOPIA 4; HETEROTOPIA, PERIVENTRICULAR, 1. Identifiers: Orphanet 2149, Orphanet 82004, MedGen C1848213, MONDO:0010233, OMIM 300049.
Melnick-Needles syndrome (MNS). Also called: Melnick-Needles Syndrome (FLNA-MNS); MELNICK-NEEDLES OSTEODYSPLASTY; OSTEODYSPLASTY OF MELNICK AND NEEDLES. Identifiers: Orphanet 2484, MedGen C0025237, MONDO:0010650, OMIM 309350.
Frontometaphyseal dysplasia (FMD1). Identifiers: Orphanet 1826, MedGen C0265293, MONDO:0015942.
Oto-palato-digital syndrome, type II (OPD2). Also called: Otopalatodigital Syndrome Type 2 (FLNA-OPD2); FACIOPALATOOSSEOUS SYNDROME; OPD II SYNDROME; Otopalatodigital Syndrome, Type II. Identifiers: Orphanet 669, Orphanet 90652, MedGen C1844696, MONDO:0010571, OMIM 304120.

Submission:

Labcorp Genetics (formerly Invitae), Labcorp
Classification: Uncertain significance for Oto-palato-digital syndrome, type II; Heterotopia, periventricular, X-linked dominant; Frontometaphyseal dysplasia; Melnick-Needles syndrome. Last evaluated: 2024-01-12. Review status: criteria provided, single submitter. Criteria: Invitae Variant Classification Sherloc (09022015). Collection method: clinical testing. Allele origin: germline.
Comment: This sequence change replaces valine, which is neutral and non-polar, with glycine, which is neutral and non-polar, at codon 647 of the FLNA protein (p.Val647Gly). This variant is not present in population databases (gnomAD no frequency). This variant has not been reported in the literature in individuals affected with FLNA-related conditions. Advanced modeling of protein sequence and biophysical properties (such as structural, functional, and spatial information, amino acid conservation, physicochemical variation, residue mobility, and thermodynamic stability) has been performed at Invitae for this missense variant, however the output from this modeling did not meet the statistical confidence thresholds required to predict the impact of this variant on FLNA protein function. In summary, the available evidence is currently insufficient to determine the role of this variant in disease. Therefore, it has been classified as a Variant of Uncertain Significance.